The following is an entry in ClinVar:

ClinVar aggregate classification (germline): Uncertain significance (1 of 4 stars; one submission).

Submission:

GeneDx
Classification: Uncertain significance. Last evaluated: 2023-07-05. Review status: criteria provided, single submitter. Criteria: GeneDx Variant Classification Process June 2021. Collection method: clinical testing. Allele origin: germline. Affected: yes.
Comment: Not observed at significant frequency in large population cohorts (gnomAD); In-frame deletion of 4 amino acids and insertion 9 of amino acids in a non-repeat region; In silico analysis supports a deleterious effect on protein structure/function; Has not been previously published as pathogenic or benign to our knowledge

NM_007118.4(TRIO):c.2499_2508delinsACAACGCCTCCCGTGTTCATGCAGC (p.Asp833_Leu836delinsGluGlnArgLeuProCysSerCysSer)

Gene: TRIO (trio Rho guanine nucleotide exchange factor; plus strand). Cytogenetic location: 5p15.2.
Variant type: Indel.
Coding change: c.2499_2508delinsACAACGCCTCCCGTGTTCATGCAGC on transcript NM_007118.4 (MANE Select); coding-DNA positions 2499 to 2508, CAAAGCCTTG replaced by ACAACGCCTCCCGTGTTCATGCAGC.
Protein change: p.Asp833_Leu836delinsGluGlnArgLeuProCysSerCysSer.
Molecular consequence: inframe indel. On other transcripts: non-coding transcript variant (1).
Genome position (GRCh38, 1-based): chr5:14,363,839-14,363,848, CAAAGCCTTG replaced by ACAACGCCTCCCGTGTTCATGCAGC. GRCh37 (hg19): chr5:14,363,948-14,363,957.
Identifiers: ClinVar variation 3360822 (VCV003360822.1).
Genomic context (GRCh38, chr5:14,363,839, plus strand): 5'-GAATGACTTCGACACAGAAGATCTCACGATTGCAGAGCAGCGCCTCCAGCACCATGCAGA[CAAAGCCTTG>ACAACGCCTCCCGTGTTCATGCAGC]ACCATGAACAACTTGACTTTTGACGTCATCCACCAAGGGCAAGATCTTCTGCAGTATGTC-3'